The following is an entry in ClinVar:

NM_000089.4(COL1A2):c.605G>A (p.Gly202Asp)

Gene: COL1A2 (collagen type I alpha 2 chain; plus strand). Cytogenetic location: 7q21.3.
Variant type: single nucleotide variant.
Coding change: c.605G>A on transcript NM_000089.4 (MANE Select); coding-DNA position 605, G replaced by A.
Protein change: p.Gly202Asp; replaces glycine 202 with aspartic acid.
Molecular consequence: missense variant.
Genome position (GRCh38, 1-based): chr7:94,407,857, G>A. VCF-style: chr7-94407857-G-A. GRCh37 (hg19) VCF-style: chr7-94037169-G-A.
Other names: short protein forms G202D.
Identifiers: ClinVar variation 1457014 (VCV001457014.7), dbSNP rs72656377, ClinGen allele CA162917434.

ClinVar aggregate classification (germline): Pathogenic. Review status: criteria provided, multiple submitters, no conflicts (2 of 4 stars). 2 submissions from 2 submitters: Pathogenic (2). Last evaluated 2025-07-16.

Conditions:
Ehlers-Danlos syndrome, classic type, 1 (EDSCL1). Also called: EHLERS-DANLOS SYNDROME, GRAVIS TYPE; EHLERS-DANLOS SYNDROME, SEVERE CLASSIC TYPE; Ehlers-Danlos syndrome, type 1; Ehlers-Danlos Syndrome, Classic Type, COL5A1-Related; EDS I. Identifiers: MedGen C0268335, MONDO:0019567, OMIM 130000.
Osteogenesis imperfecta type I (OI1). Also called: OI, TYPE I; OSTEOGENESIS IMPERFECTA TARDA; OSTEOGENESIS IMPERFECTA WITH BLUE SCLERAE; Osteogenesis imperfecta type 1; Lobstein's Disease; Lobstein disease. Identifiers: Orphanet 216796, Orphanet 666, MedGen C0023931, MONDO:0008146, OMIM 166200. Disease mechanism: loss of function.

Submissions (2):

Clinical Biomedical Laboratory, Shriners Hospital For Children - Canada
Classification: Pathogenic for Osteogenesis imperfecta type I. Last evaluated: 2025-07-16. Review status: criteria provided, single submitter. Criteria: ACMG Guidelines, 2015. Collection method: clinical testing. Allele origin: germline. Affected: yes.
Comment: This variant is predicted to substitute a glycine residue by an aspartate residue in the alpha 2 chain of collagen type I. Glycine substitutions in the triple helical domain of collagen type I cause disruption in the formation of the triple helix in the collagen molecule and are a typical cause of osteogenesis imperfecta. This variant is absent from the Genome Aggregation Database v.2.1.1, indicating it is very rare. This variant has been reported in the literature several times (e.g., PMID: 18311573, 27509835). We have observed this variant in the Shriners Hospital for Children variant database in two unrelated individuals with a diagnosis of osteogenesis imperfecta type I. Prediction tools (REVEL: 0.98) suggest that the change is detrimental to protein function.

Labcorp Genetics (formerly Invitae), Labcorp
Classification: Pathogenic for Osteogenesis imperfecta type I; Ehlers-Danlos syndrome, classic type, 1. Last evaluated: 2021-09-06. Review status: criteria provided, single submitter. Criteria: Invitae Variant Classification Sherloc (09022015). Collection method: clinical testing. Allele origin: germline.
Comment: For these reasons, this variant has been classified as Pathogenic. This variant disrupts the triple helix domain of COL1A2. Glycine residues within the Gly-Xaa-Yaa repeats of the triple helix domain are required for the structure and stability of fibrillar collagens (PMID: 7695699, 8218237, 19344236). In COL1A2, variants affecting these glycine residues are significantly enriched in individuals with disease (PMID: 9016532, 17078022) compared to the general population (ExAC). Advanced modeling of protein sequence and biophysical properties (such as structural, functional, and spatial information, amino acid conservation, physicochemical variation, residue mobility, and thermodynamic stability) performed at Invitae indicates that this missense variant is expected to disrupt COL1A2 protein function. This missense change has been observed in individual(s) with osteogenesis imperfecta (PMID: 27509835, 31414283). This variant is not present in population databases (ExAC no frequency). This sequence change replaces glycine with aspartic acid at codon 202 of the COL1A2 protein (p.Gly202Asp). The glycine residue is highly conserved and there is a moderate physicochemical difference between glycine and aspartic acid.

Literature cited by the submitters: PubMed 7695699 (cited by Labcorp Genetics (formerly Invitae), Labcorp); PubMed 8218237 (cited by Labcorp Genetics (formerly Invitae), Labcorp); PubMed 19344236 (cited by Labcorp Genetics (formerly Invitae), Labcorp); PubMed 9016532 (cited by Labcorp Genetics (formerly Invitae), Labcorp); PubMed 17078022 (cited by Labcorp Genetics (formerly Invitae), Labcorp); PubMed 27509835 (cited by Labcorp Genetics (formerly Invitae), Labcorp); PubMed 31414283 (cited by Labcorp Genetics (formerly Invitae), Labcorp).